The following is an entry in ClinVar:

NM_004006.3(DMD):c.11047-249A>T

Gene: DMD (dystrophin; minus strand). Cytogenetic location: Xp21.2.
Variant type: single nucleotide variant.
Coding change: c.11047-249A>T on transcript NM_004006.3 (MANE Select); 249 bases into the intron before coding-DNA position 11047, A replaced by T.
Molecular consequence: intron variant.
Genome position (GRCh38, 1-based): chrX:31,122,179, T>A on the plus strand (A>T on the coding strand, the complement: DMD is on the minus strand). VCF-style: chrX-31122179-T-A. GRCh37 (hg19) VCF-style: chrX-31140296-T-A.
Other names: NC_000023.10:g.31140296T>A; c.11023-249A>T (NM_000109.4); c.7024-249A>T (NM_004011.4); c.7015-249A>T (NM_004012.4); c.3305-249A>T (NM_004023.3); c.3337-249A>T (NM_004020.4); c.3596-249A>T (NM_004022.3); c.3635-249A>T (NM_004021.3); and 8 more.
Identifiers: ClinVar variation 681746 (VCV000681746.2), dbSNP rs436628, ClinGen allele CA15027012.

ClinVar aggregate classification (germline): Benign (1 of 4 stars; one submission).

Allele frequency attached by ClinVar (database versions not stated): 1000 Genomes Project 0.18331; 1000 Genomes Project 30x 0.18730; gnomAD 0.20130 and 0.20779; TOPMed 0.21333.
gnomAD v4.1: 22,351 of 111,061 alleles (20%); highest among the groups gnomAD compares: African/African-American, 32%; 1,922 homozygotes.

Submissions (8):

GeneDx
Classification: Benign. Last evaluated: 2018-06-18. Review status: criteria provided, single submitter. Criteria: GeneDx Variant Classification (06012015). Collection method: clinical testing. Allele origin: germline. Affected: yes.
Comment: This variant is considered likely benign or benign based on one or more of the following criteria: it is a conservative change, it occurs at a poorly conserved position in the protein, it is predicted to be benign by multiple in silico algorithms, and/or has population frequency not consistent with disease.

Dr. Peter K. Rogan Lab, Western University
No classification provided (evidence only). Condition: Acute myeloid leukemia. Review status: no classification provided. Collection method: in vitro. Allele origin: not applicable. Functional consequence: retained intron. Not counted in ClinVar's aggregate classification.

Dr. Peter K. Rogan Lab, Western University
No classification provided (evidence only). Condition: Uterine corpus endometrial carcinoma. Review status: no classification provided. Collection method: in vitro. Allele origin: not applicable. Functional consequence: retained intron. Not counted in ClinVar's aggregate classification.

Dr. Peter K. Rogan Lab, Western University
No classification provided (evidence only). Condition: Cervical cancer. Review status: no classification provided. Collection method: in vitro. Allele origin: not applicable. Functional consequence: retained intron. Not counted in ClinVar's aggregate classification.

Dr. Peter K. Rogan Lab, Western University
No classification provided (evidence only). Condition: Sarcoma. Review status: no classification provided. Collection method: in vitro. Allele origin: not applicable. Functional consequence: retained intron. Not counted in ClinVar's aggregate classification.

Dr. Peter K. Rogan Lab, Western University
No classification provided (evidence only). Condition: Sarcoma. Review status: no classification provided. Collection method: in vitro. Allele origin: not applicable. Functional consequence: retained intron. Not counted in ClinVar's aggregate classification.

Dr. Peter K. Rogan Lab, Western University
No classification provided (evidence only). Condition: Sarcoma. Review status: no classification provided. Collection method: in vitro. Allele origin: not applicable. Functional consequence: retained intron. Not counted in ClinVar's aggregate classification.

Dr. Peter K. Rogan Lab, Western University
No classification provided (evidence only). Condition: Cholangiocarcinoma. Review status: no classification provided. Collection method: in vitro. Allele origin: not applicable. Functional consequence: retained intron. Not counted in ClinVar's aggregate classification.